The following is an entry in ClinVar:

NM_000327.4(ROM1):c.10G>A (p.Val4Met)

Gene: ROM1 (retinal outer segment membrane protein 1; plus strand). Cytogenetic location: 11q12.3.
Variant type: single nucleotide variant.
Coding change: c.10G>A on transcript NM_000327.4 (MANE Select); coding-DNA position 10, G replaced by A.
Protein change: p.Val4Met; replaces valine 4 with methionine.
Molecular consequence: missense variant.
Genome position (GRCh38, 1-based): chr11:62,613,291, G>A. VCF-style: chr11-62613291-G-A. GRCh37 (hg19) VCF-style: chr11-62380763-G-A.
Other names: short protein forms V4M.
Identifiers: ClinVar variation 2702112 (VCV002702112.3), dbSNP rs1942929918, ClinGen allele CA380967878.

ClinVar aggregate classification (germline): Uncertain significance (1 of 4 stars; one submission).

Submission:

Labcorp Genetics (formerly Invitae), Labcorp
Classification: Uncertain significance. Last evaluated: 2023-12-10. Review status: criteria provided, single submitter. Criteria: Invitae Variant Classification Sherloc (09022015). Collection method: clinical testing. Allele origin: germline.
Comment: This sequence change replaces valine, which is neutral and non-polar, with methionine, which is neutral and non-polar, at codon 4 of the ROM1 protein (p.Val4Met). This variant is not present in population databases (gnomAD no frequency). This variant has not been reported in the literature in individuals affected with ROM1-related conditions. Advanced modeling of protein sequence and biophysical properties (such as structural, functional, and spatial information, amino acid conservation, physicochemical variation, residue mobility, and thermodynamic stability) performed at Invitae indicates that this missense variant is not expected to disrupt ROM1 protein function with a negative predictive value of 80%. In summary, the available evidence is currently insufficient to determine the role of this variant in disease. Therefore, it has been classified as a Variant of Uncertain Significance.